The following is an entry in ClinVar:

ClinVar aggregate classification (germline): Conflicting classifications of pathogenicity. Review status: criteria provided, conflicting classifications (1 of 4 stars). 2 submissions from 2 submitters: Uncertain significance (1); Likely benign (1). Last evaluated 2025-09-09.

Conditions:
Cardiomyopathy (CMYO). Also called: Cardiomyopathies. Identifiers: Orphanet 167848, MedGen C0878544, MONDO:0004994, HP:0001638. Inheritance: Various modes of inheritance.
Arrhythmogenic right ventricular dysplasia 10. Also called: Arrhythmogenic right ventricular dysplasia/cardiomyopathy, type 10; Arrhythmogenic Right Ventricular Dysplasia/Cardiomyopathy10; ARRHYTHMOGENIC RIGHT VENTRICULAR DYSPLASIA, FAMILIAL, 10. Identifiers: MedGen C1857777, MONDO:0012434, OMIM 610193.

Submissions (2):

Labcorp Genetics (formerly Invitae), Labcorp
Classification: Uncertain significance for Arrhythmogenic right ventricular dysplasia 10. Last evaluated: 2025-09-09. Review status: criteria provided, single submitter. Criteria: Invitae Variant Classification Sherloc (09022015). Collection method: clinical testing. Allele origin: germline.
Comment: This sequence change falls in intron 13 of the DSG2 gene. It does not directly change the encoded amino acid sequence of the DSG2 protein. It affects a nucleotide within the consensus splice site. This variant is not present in population databases (gnomAD no frequency). This variant has not been reported in the literature in individuals affected with DSG2-related conditions. ClinVar contains an entry for this variant (Variation ID: 2775233). Variants that disrupt the consensus splice site are a relatively common cause of aberrant splicing (PMID: 17576681, 9536098). Algorithms developed to predict the effect of sequence changes on RNA splicing suggest that this variant is not likely to affect RNA splicing. In summary, the available evidence is currently insufficient to determine the role of this variant in disease. Therefore, it has been classified as a Variant of Uncertain Significance.

Color Diagnostics, LLC DBA Color Health
Classification: Likely benign for Cardiomyopathy. Last evaluated: 2021-10-01. Review status: criteria provided, single submitter. Criteria: ACMG Guidelines, 2015. Collection method: clinical testing. Allele origin: germline.

Literature cited by the submitters: PubMed 17576681 (cited by Labcorp Genetics (formerly Invitae), Labcorp); PubMed 9536098 (cited by Labcorp Genetics (formerly Invitae), Labcorp).

NM_001943.5(DSG2):c.2002-3C>T

Genes: DSG2 (desmoglein 2; plus strand), DSG2-AS1 (DSG2 antisense RNA 1; minus strand). Cytogenetic location: 18q12.1.
Variant type: single nucleotide variant.
Coding change: c.2002-3C>T on transcript NM_001943.5 (MANE Select); 3 bases into the intron before coding-DNA position 2002, C replaced by T.
Molecular consequence: intron variant.
Genome position (GRCh38, 1-based): chr18:31,542,517, C>T. VCF-style: chr18-31542517-C-T. GRCh37 (hg19) VCF-style: chr18-29122480-C-T.
Identifiers: ClinVar variation 2775233 (VCV002775233.3), dbSNP rs1268362518, ClinGen allele CA2576480566.